The following is an entry in ClinVar:

ClinVar aggregate classification (germline): Uncertain significance (1 of 4 stars; one submission).

Conditions:
Hereditary pheochromocytoma and paraganglioma. Also called: Hereditary Paraganglioma-Pheochromocytoma Syndromes; Hereditary paragangliomas and pheochromocytomas; Hereditary pheochromocytoma-paraganglioma. Identifiers: Orphanet 29072, MedGen C4274332, MONDO:0017366.

Submission:

Labcorp Genetics (formerly Invitae), Labcorp
Classification: Uncertain significance for Hereditary pheochromocytoma and paraganglioma. Last evaluated: 2018-06-06. Review status: criteria provided, single submitter. Criteria: Invitae Variant Classification Sherloc (09022015). Collection method: clinical testing. Allele origin: germline.
Comment: In summary, the available evidence is currently insufficient to determine the role of this variant in disease. Therefore, it has been classified as a Variant of Uncertain Significance. This variant has not been reported in the literature in individuals with MAX-related disease. This variant is not present in population databases (ExAC no frequency). This sequence change results in a frameshift in the MAX gene (p.Glu148Glyfs*118). While this is not anticipated to result in nonsense mediated decay, it is expected to disrupt the last 13 amino acids of the MAX protein and extend the protein by an additional 105 amino acids.

NM_002382.5(MAX):c.442dup (p.Glu148fs)

Gene: MAX (MYC associated transcriptional regulator X; minus strand). Cytogenetic location: 14q23.3.
Variant type: Duplication.
Coding change: c.442dup on transcript NM_002382.5 (MANE Select); coding-DNA position 442, one base duplicated (G; older notation c.442dupG).
Protein change: p.Glu148fs; shifts the reading frame from glutamic acid 148.
Molecular consequence: frameshift variant. On other transcripts: 3 prime UTR variant (1), intron variant (2).
Genome position (GRCh38, 1-based): chr14:65,076,517, C duplicated on the plus strand (G on the coding strand, the reverse complement: MAX is on the minus strand). VCF-style (leftmost placement, unchanged base first): chr14-65076516-T-TC. GRCh37 (hg19) VCF-style: chr14-65543234-T-TC.
Other names: c.442dupG (NM_002382.4); c.253dup, p.Glu85fs (NM_001320415.2); c.442dup, p.Glu148Glyfs (NM_001407094.1); c.415dup, p.Glu139Glyfs (NM_001407095.1); c.*215dup (NM_001407096.1, NM_001407099.1, NM_001407102.1 and 2 more transcripts); c.*231dup (NM_001407097.1, NM_001407100.1, NM_001407101.1 and 4 more transcripts); c.334dup, p.Glu112Glyfs (NM_001407098.1); c.253dup, p.Glu85Glyfs (NM_001407105.1, NM_001407106.1, NM_001407107.1); and 4 more; short protein forms E139fs, E148fs, E85fs.
Identifiers: ClinVar variation 570685 (VCV000570685.9), dbSNP rs1566597938, ClinGen allele CA891843751.
Genomic context (GRCh38, chr14:65,076,516, plus strand): 5'-GCTGGCCTGCCCCGAGTGGCTTAGCTGGCCTCCATCCGGAGCTTCTTCCTGCTTTGGGGC[T>TC]CTTCAGGCTCAGACTCCGAGCTGGAGTCCGAGCCCCCATCGAAGGCAGAGATGGTGCTGC-3'